The following is an entry in ClinVar:

NM_177438.3(DICER1):c.5578A>G (p.Met1860Val)

Gene: DICER1 (dicer 1, ribonuclease III; minus strand). Cytogenetic location: 14q32.13.
Variant type: single nucleotide variant.
Coding change: c.5578A>G on transcript NM_177438.3 (MANE Select); coding-DNA position 5578, A replaced by G.
Protein change: p.Met1860Val; replaces methionine 1860 with valine.
Molecular consequence: missense variant. On other transcripts: synonymous variant (1), non-coding transcript variant (6).
Genome position (GRCh38, 1-based): chr14:95,091,059, T>C on the plus strand (A>G on the coding strand, the complement: DICER1 is on the minus strand). VCF-style: chr14-95091059-T-C. GRCh37 (hg19) VCF-style: chr14-95557396-T-C.
Other names: c.5415A>G, p.Lys1805= (NM_001195573.1); c.5578A>G, p.Met1860Val (NM_001271282.3, NM_001291628.2, NM_001395677.1 and 8 more transcripts); c.5296A>G, p.Met1766Val (NM_001395686.1); c.5173A>G, p.Met1725Val (NM_001395687.1, NM_001395688.1, NM_001395689.1 and 1 more transcripts); c.5011A>G, p.Met1671Val (NM_001395691.1); c.3895A>G, p.Met1299Val (NM_001395697.1); short protein forms M1299V, M1671V, M1725V, M1766V, M1860V.
Identifiers: ClinVar variation 3229437 (VCV003229437.1), dbSNP rs2542399879, ClinGen allele CA390864170.
Genomic context (GRCh38, chr14:95,091,059, plus strand): 5'-AGTTAATGTTTTTTCCATGTACATTTTTTGCTTACCTAAATTTGGCAGTTTCTGGTTCCA[T>C]TTCAAGCAATTCTCGCACAGGGGAACGGGGTACATTTGCAGAAAACTTTTCTGCAATCAA-3'
Protein context (NP_803187.1, residues 1850-1870): PRSPVRELLE[Met1860Val]EPETAKFSPA

ClinVar aggregate classification (germline): Uncertain significance (1 of 4 stars; one submission).

Conditions:
Hereditary cancer-predisposing syndrome. Also called: Neoplastic Syndromes, Hereditary; Tumor predisposition; Hereditary neoplastic syndrome; Hereditary Cancer Syndrome. Identifiers: Orphanet 140162, MedGen C0027672, MeSH D009386, MONDO:0015356.

Allele frequency attached by ClinVar (database versions not stated): gnomAD exomes below 0.00001.

Submission:

Ambry Genetics
Classification: Uncertain significance for Hereditary cancer-predisposing syndrome. Last evaluated: 2023-12-20. Review status: criteria provided, single submitter. Criteria: Ambry Variant Classification Scheme 2023. Collection method: clinical testing. Allele origin: germline.
Comment: The p.M1860V variant (also known as c.5578A>G), located in coding exon 25 of the DICER1 gene, results from an A to G substitution at nucleotide position 5578. The methionine at codon 1860 is replaced by valine, an amino acid with highly similar properties. This amino acid position is conserved. In addition, the in silico prediction for this alteration is inconclusive. Since supporting evidence is limited at this time, the clinical significance of this alteration remains unclear.